The following is an entry in ClinVar:

ClinVar aggregate classification (germline): Pathogenic (1 of 4 stars; one submission).

Conditions:
Pendred syndrome (PDS). Also called: Pendred Syndrome (PDS); DEAFNESS WITH GOITER; GOITER-DEAFNESS SYNDROME; HYPOTHYROIDISM, CONGENITAL, DUE TO DYSHORMONOGENESIS, 2B; THYROID DYSHORMONOGENESIS 2B; THYROID HORMONOGENESIS, GENETIC DEFECT IN, 2B. Identifiers: Orphanet 705, MedGen C0271829, MONDO:0010134, OMIM 274600.

Submission:

Myriad Genetics, Inc.
Classification: Pathogenic for Pendred syndrome. Last evaluated: 2025-08-07. Review status: criteria provided, single submitter. Criteria: Myriad Autosomal Dominant, Autosomal Recessive and X-Linked Classification Criteria (2023). Collection method: clinical testing. Allele origin: unknown.
Comment: NM_000441.1(SLC26A4):c.2223delC(I742Ffs*2) is expected to be pathogenic in the context of Pendred syndrome. This variant is predicted to lead to an abnormal or absent protein product due to the creation of a premature termination codon in SLC26A4, a gene where loss-of-function variants are known to be pathogenic. Please note: this variant was assessed in the context of healthy population screening.

NM_000441.2(SLC26A4):c.2223del (p.Ile742fs)

Gene: SLC26A4 (solute carrier family 26 member 4; plus strand). Cytogenetic location: 7q22.3.
Variant type: Deletion.
Coding change: c.2223del on transcript NM_000441.2 (MANE Select); coding-DNA position 2223, one base deleted (C; older notation c.2223delC).
Protein change: p.Ile742fs; shifts the reading frame from isoleucine 742.
Molecular consequence: frameshift variant.
Genome position (GRCh38, 1-based): chr7:107,710,187, C deleted; the last of 2 consecutive C bases (chr7:107,710,186-107,710,187); deleting either gives the same sequence. VCF-style (leftmost placement, unchanged base first): chr7-107710185-TC-T. GRCh37 (hg19) VCF-style: chr7-107350630-TC-T.
Other names: short protein forms I742fs.
Identifiers: ClinVar variation 5014836 (VCV005014836.1).